The following is an entry in ClinVar:

ClinVar aggregate classification (germline): Uncertain significance (1 of 4 stars; one submission).

Submission:

Labcorp Genetics (formerly Invitae), Labcorp
Classification: Uncertain significance. Last evaluated: 2024-10-02. Review status: criteria provided, single submitter. Criteria: Invitae Variant Classification Sherloc (09022015). Collection method: clinical testing. Allele origin: germline.
Comment: This variant, c.381_386dup, results in the insertion of 2 amino acid(s) of the MBTPS2 protein (p.Ser135_Ser136dup), but otherwise preserves the integrity of the reading frame. This variant is not present in population databases (gnomAD no frequency). This variant has not been reported in the literature in individuals affected with MBTPS2-related conditions. In summary, the available evidence is currently insufficient to determine the role of this variant in disease. Therefore, it has been classified as a Variant of Uncertain Significance.

NM_015884.4(MBTPS2):c.375CTCTTC[3] (p.Ser136_Leu137insSerSer)

Gene: MBTPS2 (membrane bound transcription factor peptidase, site 2; plus strand). Cytogenetic location: Xp22.12.
Variant type: Microsatellite.
Coding change: c.375CTCTTC[3] on transcript NM_015884.4 (MANE Select); three copies in a row of the 6-base unit CTCTTC starting at c.375; the reference has two copies in a row; one copy, 6 bases duplicated.
Protein change: p.Ser136_Leu137insSerSer.
Genome position (GRCh38, 1-based): chrX:21,845,327-21,845,332, CTCTTC duplicated; duplicating any 6 consecutive bases within chrX:21,845,316-21,845,332 gives the same sequence; the position shown is the placement nearest the transcript's 3' end. VCF-style (leftmost placement, unchanged base first): chrX-21845315-T-TTCTTCC. GRCh37 (hg19) VCF-style: chrX-21863433-T-TTCTTCC.
Identifiers: ClinVar variation 3672294 (VCV003672294.2).